The following is an entry in ClinVar:

ClinVar aggregate classification (germline): Uncertain significance (1 of 4 stars; one submission).

Conditions:
Nemaline myopathy 9 (NEM9). Identifiers: MedGen C3810384, MONDO:0014326, OMIM 615731.

Allele frequency attached by ClinVar (database versions not stated): ExAC 0.00001; TOPMed 0.00001; gnomAD 0.00004.
gnomAD v4.1: 19 of 1,614,118 alleles (0.0012%); highest among the groups gnomAD compares: Middle Eastern, 0.066%; no homozygotes.

Submission:

Labcorp Genetics (formerly Invitae), Labcorp
Classification: Uncertain significance for Nemaline myopathy 9. Last evaluated: 2025-11-27. Review status: criteria provided, single submitter. Criteria: Invitae Variant Classification Sherloc (09022015). Collection method: clinical testing. Allele origin: germline.
Comment: This sequence change replaces lysine, which is basic and polar, with asparagine, which is neutral and polar, at codon 494 of the KLHL41 protein (p.Lys494Asn). This variant is present in population databases (rs778531652, gnomAD 0.01%). This variant has not been reported in the literature in individuals affected with KLHL41-related conditions. ClinVar contains an entry for this variant (Variation ID: 945391). Invitae Evidence Modeling of protein sequence and biophysical properties (such as structural, functional, and spatial information, amino acid conservation, physicochemical variation, residue mobility, and thermodynamic stability) indicates that this missense variant is not expected to disrupt KLHL41 protein function with a negative predictive value of 80%. In summary, the available evidence is currently insufficient to determine the role of this variant in disease. Therefore, it has been classified as a Variant of Uncertain Significance.

NM_006063.3(KLHL41):c.1482A>T (p.Lys494Asn)

Gene: KLHL41 (kelch like family member 41; plus strand). Cytogenetic location: 2q31.1.
Variant type: single nucleotide variant.
Coding change: c.1482A>T on transcript NM_006063.3 (MANE Select); coding-DNA position 1482, A replaced by T.
Protein change: p.Lys494Asn; replaces lysine 494 with asparagine.
Molecular consequence: missense variant.
Genome position (GRCh38, 1-based): chr2:169,518,295, A>T. VCF-style: chr2-169518295-A-T. GRCh37 (hg19) VCF-style: chr2-170374805-A-T.
Other names: short protein forms K494N.
Identifiers: ClinVar variation 945391 (VCV000945391.8), dbSNP rs778531652, ClinGen allele CA1956694.
Genomic context (GRCh38, chr2:169,518,295, plus strand): 5'-TTGGAAAGATCTGGCTCCAATGAAAATTCCTCGTTCCATGTTTGGAGTAGCAGTCCATAA[A>T]GGCAAAATTGTGATTGCAGGAGGTGTCACTGAAGATGGTCTTTCAGCTTCAGTTGAAGCT-3'
Protein context (NP_006054.2, residues 484-504): PRSMFGVAVH[Lys494Asn]GKIVIAGGVT